The following is an entry in ClinVar:

NM_130468.4(CHST14):c.392T>G (p.Val131Gly)

Gene: CHST14 (carbohydrate sulfotransferase 14; plus strand). Cytogenetic location: 15q15.1.
Variant type: single nucleotide variant.
Coding change: c.392T>G on transcript NM_130468.4 (MANE Select); coding-DNA position 392, T replaced by G.
Protein change: p.Val131Gly; replaces valine 131 with glycine.
Molecular consequence: missense variant.
Genome position (GRCh38, 1-based): chr15:40,471,605, T>G. VCF-style: chr15-40471605-T-G. GRCh37 (hg19) VCF-style: chr15-40763804-T-G.
Other names: short protein forms V131G.
Identifiers: ClinVar variation 4843192 (VCV004843192.1).
Genomic context (GRCh38, chr15:40,471,605, plus strand): 5'-GGACCCTGCGGGCGGTGTGCGGACAGCCAGGCATGCCCCGGGACCCCTGGGACTTGCCGG[T>G]GGGGCAGCGGCGCACCCTGCTGCGCCACATCCTCGTAAGTGACCGTTACCGCTTCCTCTA-3'
Protein context (NP_569735.1, residues 121-141): GMPRDPWDLP[Val131Gly]GQRRTLLRHI

ClinVar aggregate classification (germline): Uncertain significance (1 of 4 stars; one submission).

Conditions:
Cardiovascular phenotype. Identifiers: MedGen CN230736.

Submission:

Ambry Genetics
Classification: Uncertain significance for Cardiovascular phenotype. Last evaluated: 2025-12-30. Review status: criteria provided, single submitter. Criteria: Ambry Variant Classification Scheme 2023. Collection method: clinical testing. Allele origin: germline.
Comment: The p.V131G variant (also known as c.392T>G), located in coding exon 1 of the CHST14 gene, results from a T to G substitution at nucleotide position 392. The valine at codon 131 is replaced by glycine, an amino acid with dissimilar properties. This amino acid position is conserved. In addition, this alteration is predicted to be tolerated by in silico analysis. Based on the available evidence, the clinical significance of this variant remains unclear.